The following is an entry in ClinVar:

NM_014263.4(YME1L1):c.1115C>T (p.Ala372Val)

Gene: YME1L1 (YME1 like 1 ATPase; minus strand). Cytogenetic location: 10p12.1.
Variant type: single nucleotide variant.
Coding change: c.1115C>T on transcript NM_014263.4 (MANE Select); coding-DNA position 1115, C replaced by T.
Protein change: p.Ala372Val; replaces alanine 372 with valine.
Molecular consequence: missense variant.
Genome position (GRCh38, 1-based): chr10:27,122,961, G>A on the plus strand (C>T on the coding strand, the complement: YME1L1 is on the minus strand). VCF-style: chr10-27122961-G-A. GRCh37 (hg19) VCF-style: chr10-27411890-G-A.
Other names: c.1286C>T (NM_139312.1); c.1016C>T, p.Ala339Val (NM_001253866.2); c.1286C>T, p.Ala429Val (NM_139312.3); short protein forms A339V, A372V, A429V.
Identifiers: ClinVar variation 2729726 (VCV002729726.4), dbSNP rs746446455, ClinGen allele CA5449389.

ClinVar aggregate classification (germline): Uncertain significance. Review status: criteria provided, multiple submitters, no conflicts (2 of 4 stars). 2 submissions from 2 submitters: Uncertain significance (2). Last evaluated 2025-04-29.

Allele frequency attached by ClinVar (database versions not stated): ExAC 0.00001; gnomAD 0.00001; gnomAD exomes 0.00001.
gnomAD v4.1: 18 of 1,610,288 alleles (0.0011%); highest among the groups gnomAD compares: East Asian, 0.0022%; no homozygotes.

Submissions (2):

Ambry Genetics
Classification: Uncertain significance. Last evaluated: 2025-04-29. Review status: criteria provided, single submitter. Criteria: Ambry Variant Classification Scheme 2023. Collection method: clinical testing. Allele origin: germline.

Labcorp Genetics (formerly Invitae), Labcorp
Classification: Uncertain significance. Last evaluated: 2023-10-03. Review status: criteria provided, single submitter. Criteria: Invitae Variant Classification Sherloc (09022015). Collection method: clinical testing. Allele origin: germline.
Comment: This sequence change replaces alanine, which is neutral and non-polar, with valine, which is neutral and non-polar, at codon 429 of the YME1L1 protein (p.Ala429Val). This variant is present in population databases (rs746446455, gnomAD 0.007%). This variant has not been reported in the literature in individuals affected with YME1L1-related conditions. An algorithm developed to predict the effect of missense changes on protein structure and function (PolyPhen-2) suggests that this variant is likely to be disruptive. In summary, the available evidence is currently insufficient to determine the role of this variant in disease. Therefore, it has been classified as a Variant of Uncertain Significance.